The following is an entry in ClinVar:

NM_000093.5(COL5A1):c.5005G>C (p.Val1669Leu)

Genes: COL5A1 (collagen type V alpha 1 chain; plus strand), LOC101448202 (uncharacterized LOC101448202; minus strand). Cytogenetic location: 9q34.3.
Variant type: single nucleotide variant.
Coding change: c.5005G>C on transcript NM_000093.5 (MANE Select); coding-DNA position 5005, G replaced by C.
Protein change: p.Val1669Leu; replaces valine 1669 with leucine.
Molecular consequence: missense variant.
Genome position (GRCh38, 1-based): chr9:134,825,842, G>C. VCF-style: chr9-134825842-G-C. GRCh37 (hg19) VCF-style: chr9-137717688-G-C.
Other names: c.5005G>C, p.Val1669Leu (NM_001278074.1); short protein forms V1669L.
Identifiers: ClinVar variation 5034813 (VCV005034813.1).
Genomic context (GRCh38, chr9:134,825,842, plus strand): 5'-TGAAATCCAGGTGAATACTGGGTCGATCCTAACCAAGGATGCTCCAGGGATTCCTTCAAG[G>C]TTTACTGCAACTTCACAGCCGGGGGGTCGACATGCGTCTTCCCTGACAAGAAGTCCGAAG-3'
Protein context (NP_000084.3, residues 1659-1679): NQGCSRDSFK[Val1669Leu]YCNFTAGGST

ClinVar aggregate classification (germline): Uncertain significance (1 of 4 stars; one submission).

Conditions:
Familial thoracic aortic aneurysm and aortic dissection (TAAD). Also called: Thoracic aortic aneurysms and dissections. Identifiers: Orphanet 91387, MedGen C4707243, MONDO:0019625.

Submission:

Ambry Genetics
Classification: Uncertain significance for Familial thoracic aortic aneurysm and aortic dissection. Last evaluated: 2026-07-19. Review status: criteria provided, single submitter. Criteria: Ambry Variant Classification Scheme 2023. Collection method: clinical testing. Allele origin: germline.
Comment: The p.V1669L variant (also known as c.5005G>C), located in coding exon 63 of the COL5A1 gene, results from a G to C substitution at nucleotide position 5005. The valine at codon 1669 is replaced by leucine, an amino acid with highly similar properties. This amino acid position is conserved. In addition, the in silico prediction for this alteration is inconclusive. Based on the available evidence, the clinical significance of this variant remains unclear.